The following is an entry in ClinVar:

ClinVar aggregate classification (germline): Conflicting classifications of pathogenicity. Review status: criteria provided, conflicting classifications (1 of 4 stars). 3 submissions from 3 submitters: Uncertain significance (1); Likely benign (1). 1 of the submissions does not count toward it. Last evaluated 2024-02-24.

Conditions:
Peroxisome biogenesis disorder 2A (Zellweger) (PBD2A). Also called: Cerebrohepatorenal syndrome, variant types. Identifiers: Orphanet 912, MedGen C3550273, MONDO:0008954, OMIM 214110.
PEX5-related disorder. Also called: PEX5-Related Disorders; PEX5-related condition.
Peroxisome biogenesis disorder 2B (PBD2B). Identifiers: Orphanet 44, MedGen C3550234, MONDO:0008736, OMIM 202370.

Allele frequency attached by ClinVar (database versions not stated): gnomAD below 0.00001 and 0.00001; gnomAD exomes 0.00003 and 0.00004; ExAC 0.00006.
gnomAD v4.1: 40 of 1,610,576 alleles (0.0025%); highest among the groups gnomAD compares: South Asian, 0.043%; no homozygotes.

Submissions (3):

Labcorp Genetics (formerly Invitae), Labcorp
Classification: Likely benign for Peroxisome biogenesis disorder 2B. Last evaluated: 2024-02-24. Review status: criteria provided, single submitter. Criteria: Invitae Variant Classification Sherloc (09022015). Collection method: clinical testing. Allele origin: germline.

Illumina Laboratory Services, Illumina
Classification: Uncertain significance for Peroxisome biogenesis disorder 2A (Zellweger). Last evaluated: 2018-01-13. Review status: criteria provided, single submitter. Criteria: ICSL Variant Classification Criteria 13 December 2019. Collection method: clinical testing. Allele origin: germline.

PreventionGenetics, part of Exact Sciences
Classification: Likely benign for PEX5-related condition. Last evaluated: 2023-01-31. Review status: no assertion criteria provided. Collection method: clinical testing. Allele origin: germline. Not counted in ClinVar's aggregate classification.
Comment: This variant is classified as likely benign based on ACMG/AMP sequence variant interpretation guidelines (Richards et al. 2015 PMID: 25741868, with internal and published modifications).

NM_001351132.2(PEX5):c.498A>G (p.Gln166=)

Gene: PEX5 (peroxisomal biogenesis factor 5; plus strand). Cytogenetic location: 12p13.31.
Variant type: single nucleotide variant.
Coding change: c.498A>G on transcript NM_001351132.2 (MANE Select); coding-DNA position 498, A replaced by G.
Protein change: p.Gln166=; no amino-acid change (glutamine 166 retained).
Molecular consequence: synonymous variant.
Genome position (GRCh38, 1-based): chr12:7,199,060, A>G. VCF-style: chr12-7199060-A-G. GRCh37 (hg19) VCF-style: chr12-7351656-A-G.
Other names: c.498A>G, p.Gln166= (NM_000319.5, NM_001131024.2, NM_001131025.2 and 19 more transcripts); c.543A>G, p.Gln181= (NM_001131023.2, NM_001351135.3, NM_001351138.2).
Identifiers: ClinVar variation 310417 (VCV000310417.11), dbSNP rs756714515, ClinGen allele CA6426156.